The following is an entry in ClinVar:

NM_005188.4(CBL):c.773G>A (p.Trp258Ter)

Gene: CBL (Cbl proto-oncogene; plus strand). Cytogenetic location: 11q23.3.
Variant type: single nucleotide variant.
Coding change: c.773G>A on transcript NM_005188.4 (MANE Select); coding-DNA position 773, G replaced by A.
Protein change: p.Trp258Ter; replaces tryptophan 258 with a stop codon.
Molecular consequence: nonsense.
Genome position (GRCh38, 1-based): chr11:119,274,857, G>A. VCF-style: chr11-119274857-G-A. GRCh37 (hg19) VCF-style: chr11-119145567-G-A.
Other names: short protein forms W258*.
Identifiers: ClinVar variation 2580603 (VCV002580603.1), dbSNP rs2135300536, ClinGen allele CA382910682.
Genomic context (GRCh38, chr11:119,274,857, plus strand): 5'-ACCTGAATAGTCTGTGATTGATCTTGTTTCTTTAGCCCTGGTCCTCTTTGCTCAGGAATT[G>A]GAACAGCCTTGCTGTAACTCATCCTGGCTACATGGCTTTTTTGACGTATGACGAAGTGAA-3'

ClinVar aggregate classification (germline): Uncertain significance (1 of 4 stars; one submission).

Submission:

GeneDx
Classification: Uncertain significance. Last evaluated: 2023-03-22. Review status: criteria provided, single submitter. Criteria: GeneDx Variant Classification Process June 2021. Collection method: clinical testing. Allele origin: germline. Affected: yes.
Comment: Not observed at significant frequency in large population cohorts (gnomAD); Nonsense variant predicted to result in protein truncation or nonsense mediated decay in a gene or region of a gene for which loss of function is not a well-established mechanism of disease; Has not been previously published as pathogenic or benign to our knowledge